The following is an entry in ClinVar:

NM_152383.5(DIS3L2):c.2560A>T (p.Ser854Cys)

Gene: DIS3L2 (DIS3 like 3'-5' exoribonuclease 2; plus strand). Cytogenetic location: 2q37.1.
Variant type: single nucleotide variant.
Coding change: c.2560A>T on transcript NM_152383.5 (MANE Select); coding-DNA position 2560, A replaced by T.
Protein change: p.Ser854Cys; replaces serine 854 with cysteine.
Molecular consequence: missense variant. On other transcripts: non-coding transcript variant (2), intron variant (1).
Genome position (GRCh38, 1-based): chr2:232,336,532, A>T. VCF-style: chr2-232336532-A-T. GRCh37 (hg19) VCF-style: chr2-233201242-A-T.
Other names: c.1582-6813A>T (NM_001257281.2); short protein forms S854C.
Identifiers: ClinVar variation 463110 (VCV000463110.6), dbSNP rs774490217, ClinGen allele CA350978966.

ClinVar aggregate classification (germline): Uncertain significance (1 of 4 stars; one submission).

Conditions:
Perlman syndrome (PRLMNS). Identifiers: Orphanet 2849, MedGen C0796113, MONDO:0009965, OMIM 267000.

gnomAD v4.1: 2 of 1,610,692 alleles (0.00012%); highest among the groups gnomAD compares: Non-Finnish European, 0.00017%; no homozygotes.

Submission:

Labcorp Genetics (formerly Invitae), Labcorp
Classification: Uncertain significance for Perlman syndrome. Last evaluated: 2021-11-07. Review status: criteria provided, single submitter. Criteria: Invitae Variant Classification Sherloc (09022015). Collection method: clinical testing. Allele origin: germline.
Comment: In summary, the available evidence is currently insufficient to determine the role of this variant in disease. Therefore, it has been classified as a Variant of Uncertain Significance. Algorithms developed to predict the effect of missense changes on protein structure and function are either unavailable or do not agree on the potential impact of this missense change (SIFT: "Deleterious"; PolyPhen-2: "Possibly Damaging"; Align-GVGD: "Class C0"). ClinVar contains an entry for this variant (Variation ID: 463110). This variant has not been reported in the literature in individuals affected with DIS3L2-related conditions. This variant is not present in population databases (gnomAD no frequency). This sequence change replaces serine, which is neutral and polar, with cysteine, which is neutral and slightly polar, at codon 854 of the DIS3L2 protein (p.Ser854Cys).